The following is an entry in ClinVar:

ClinVar aggregate classification (germline): Uncertain significance (1 of 4 stars; one submission).

Conditions:
FG syndrome (FGS). Identifiers: MedGen C0220769, MONDO:0002010.

Submission:

Labcorp Genetics (formerly Invitae), Labcorp
Classification: Uncertain significance for FG syndrome. Last evaluated: 2017-08-29. Review status: criteria provided, single submitter. Criteria: Invitae Variant Classification Sherloc (09022015). Collection method: clinical testing. Allele origin: germline.
Comment: In summary, the available evidence is currently insufficient to determine the role of this variant in disease. Therefore, it has been classified as a Variant of Uncertain Significance. Algorithms developed to predict the effect of missense changes on protein structure and function do not agree on the potential impact of this missense change (SIFT: "Deleterious"; PolyPhen-2: "Benign"; Align-GVGD: "Class C15"). This variant has not been reported in the literature in individuals with MED12-related disease. This variant is not present in population databases (ExAC no frequency). This sequence change replaces threonine with lysine at codon 1196 of the MED12 protein (p.Thr1196Lys). The threonine residue is highly conserved and there is a moderate physicochemical difference between threonine and lysine.

NM_005120.3(MED12):c.3587C>A (p.Thr1196Lys)

Gene: MED12 (mediator complex subunit 12; plus strand). Cytogenetic location: Xq13.1.
Variant type: single nucleotide variant.
Coding change: c.3587C>A on transcript NM_005120.3 (MANE Select); coding-DNA position 3587, C replaced by A.
Protein change: p.Thr1196Lys; replaces threonine 1196 with lysine.
Molecular consequence: missense variant.
Genome position (GRCh38, 1-based): chrX:71,129,325, C>A. VCF-style: chrX-71129325-C-A. GRCh37 (hg19) VCF-style: chrX-70349175-C-A.
Other names: short protein forms T1196K.
Identifiers: ClinVar variation 528483 (VCV000528483.9), dbSNP rs1556336812, ClinGen allele CA413520083.